The following is an entry in ClinVar:

ClinVar aggregate classification (germline): Benign/Likely benign. Review status: criteria provided, multiple submitters, no conflicts (2 of 4 stars). 3 submissions from 2 submitters: Benign (2); Likely benign (1). Last evaluated 2018-01-12.

Conditions:
Orofacial cleft 11 (OFC11). Also called: Orofacial cleft 11; ofc11; CLEFT LIP WITH OR WITHOUT CLEFT PALATE, NONSYNDROMIC, 11. Identifiers: MedGen C2677434, MONDO:0010906, OMIM 600625.
Microphthalmia with brain and digit anomalies (MCOPS6). Also called: MICROPHTHALMIA AND PITUITARY ANOMALIES; Microphthalmia, syndromic 6. Identifiers: Orphanet 139471, MedGen C1864689, MONDO:0011936, OMIM 607932.

Allele frequency attached by ClinVar (database versions not stated): gnomAD 0.00163 and 0.00184; 1000 Genomes Project 0.30212.

Submissions (3):

Illumina Laboratory Services, Illumina
Classification: Benign for Microphthalmia with brain and digit anomalies. Last evaluated: 2018-01-12. Review status: criteria provided, single submitter. Criteria: ICSL Variant Classification Criteria 13 December 2019. Collection method: clinical testing. Allele origin: germline.
Comment: This variant was observed in the ICSL laboratory as part of a predisposition screen in an ostensibly healthy population. It had not been previously curated by ICSL or reported in the Human Gene Mutation Database (HGMD: prior to June 1st, 2018), and was therefore a candidate for classification through an automated scoring system. Utilizing variant allele frequency, disease prevalence and penetrance estimates, and inheritance mode, an automated score was calculated to assess if this variant is too frequent to cause the disease. Based on the score and internal cut-off values, a variant classified as benign is not then subjected to further curation. The score for this variant resulted in a classification of benign for this disease.

Illumina Laboratory Services, Illumina
Classification: Benign for Orofacial cleft 11. Last evaluated: 2018-01-12. Review status: criteria provided, single submitter. Criteria: ICSL Variant Classification Criteria 13 December 2019. Collection method: clinical testing. Allele origin: germline.
Comment: the same text as in the submission from Illumina Laboratory Services, Illumina above.

Breakthrough Genomics
Classification: Likely benign. Review status: criteria provided, single submitter. Criteria: ACMG Guidelines, 2015. Collection method: not provided. Allele origin: germline. Inheritance: Autosomal dominant inheritance. Affected: yes.

NM_001202.6(BMP4):c.*148A>T

Gene: BMP4 (bone morphogenetic protein 4; minus strand). Cytogenetic location: 14q22.2.
Variant type: single nucleotide variant.
Coding change: c.*148A>T on transcript NM_001202.6 (MANE Select); 148 bases downstream of the stop codon, A replaced by T.
Molecular consequence: 3 prime UTR variant.
Genome position (GRCh38, 1-based): chr14:53,949,884, T>A on the plus strand (A>T on the coding strand, the complement: BMP4 is on the minus strand). VCF-style: chr14-53949884-T-A. GRCh37 (hg19) VCF-style: chr14-54416602-T-A.
Other names: c.*148A>T (NM_001347912.1, NM_001347913.2, NM_001347914.2 and 5 more transcripts).
Identifiers: ClinVar variation 313346 (VCV000313346.7), dbSNP rs76335800, ClinGen allele CA10634952.